The following is an entry in ClinVar:

ClinVar aggregate classification (germline): Uncertain significance (1 of 4 stars; one submission).

Conditions:
Autosomal recessive limb-girdle muscular dystrophy type 2J (LGMDR10). Also called: Limb-girdle muscular dystrophy, type 2J; MUSCULAR DYSTROPHY, LIMB-GIRDLE, AUTOSOMAL RECESSIVE 10. Identifiers: Orphanet 140922, MedGen C1837342, MONDO:0012127, OMIM 608807.
Dilated cardiomyopathy 1G (CMD1G). Identifiers: Orphanet 154, MedGen C1858763, MONDO:0011400, OMIM 604145.

Submission:

Labcorp Genetics (formerly Invitae), Labcorp
Classification: Uncertain significance for Dilated cardiomyopathy 1G; Autosomal recessive limb-girdle muscular dystrophy type 2J. Last evaluated: 2023-09-18. Review status: criteria provided, single submitter. Criteria: Invitae Variant Classification Sherloc (09022015). Collection method: clinical testing. Allele origin: germline.
Comment: This variant is located in the M band of TTN (PMID: 25589632). Variants in this region may be relevant for neuromuscular disorders, but have not been definitively shown to cause cardiomyopathy (PMID: 23975875). This sequence change replaces arginine, which is basic and polar, with serine, which is neutral and polar, at codon 35058 of the TTN protein (p.Arg35058Ser). In summary, the available evidence is currently insufficient to determine the role of this variant in disease. Therefore, it has been classified as a Variant of Uncertain Significance. Experimental studies and prediction algorithms are not available or were not evaluated, and the functional significance of this variant is currently unknown. This variant has not been reported in the literature in individuals affected with TTN-related conditions. This variant is not present in population databases (gnomAD no frequency).

Literature cited by the submitters: PubMed 25589632; PubMed 23975875.

NM_001267550.2(TTN):c.105174A>T (p.Arg35058Ser)

Genes: TTN-AS1 (TTN antisense RNA 1; plus strand), TTN (titin; minus strand), LOC129935185 (ATAC-STARR-seq lymphoblastoid active region 16810; plus strand). Cytogenetic location: 2q31.2.
Variant type: single nucleotide variant.
Coding change: c.105174A>T on transcript NM_001267550.2 (MANE Select); coding-DNA position 105174, A replaced by T.
Protein change: p.Arg35058Ser; replaces arginine 35058 with serine.
Molecular consequence: missense variant.
Genome position (GRCh38, 1-based): chr2:178,531,441, T>A on the plus strand (A>T on the coding strand, the complement: TTN is on the minus strand). VCF-style: chr2-178531441-T-A. GRCh37 (hg19) VCF-style: chr2-179396168-T-A.
Other names: c.100251A>T, p.Arg33417Ser (NM_001256850.1); c.77979A>T, p.Arg25993Ser (NM_003319.4); c.97470A>T, p.Arg32490Ser (NM_133378.4); c.78354A>T, p.Arg26118Ser (NM_133432.3); c.78555A>T, p.Arg26185Ser (NM_133437.4); short protein forms R25993S, R26185S, R35058S, R26118S, R32490S, R33417S.
Identifiers: ClinVar variation 2931600 (VCV002931600.3), dbSNP rs1689077049, ClinGen allele CA349409336.
Genomic context (GRCh38, chr2:178,531,441, plus strand): 5'-AGAAGACGAAGCTTCCATCTCAGATGTTTTCTTAAATGATGAAACAGCATACGCCTCTGT[T>A]CTTGTCAGCTCAGGGAAAACAGATCTGGGGACCTCTTCATCTCTGCGTTGGGAAGCATAG-3'
Protein context (NP_001254479.2, residues 35048-35068): VPRSVFPELT[Arg35058Ser]TEAYAVSSFK